The following is an entry in ClinVar:

NM_000388.4(CASR):c.482A>G (p.Tyr161Cys)

Gene: CASR (calcium sensing receptor; plus strand). Cytogenetic location: 3q21.1.
Variant type: single nucleotide variant.
Coding change: c.482A>G on transcript NM_000388.4 (MANE Select); coding-DNA position 482, A replaced by G.
Protein change: p.Tyr161Cys; replaces tyrosine 161 with cysteine.
Molecular consequence: missense variant.
Genome position (GRCh38, 1-based): chr3:122,257,377, A>G. VCF-style: chr3-122257377-A-G. GRCh37 (hg19) VCF-style: chr3-121976224-A-G.
Other names: c.482A>G, p.Tyr161Cys (NM_001178065.2); short protein forms Y161C.
Identifiers: ClinVar variation 2576811 (VCV002576811.4), dbSNP rs2473215395, ClinGen allele CA354362982.

ClinVar aggregate classification (germline): Conflicting classifications of pathogenicity. Review status: criteria provided, conflicting classifications (1 of 4 stars). 4 submissions from 4 submitters: Likely pathogenic (3); Uncertain significance (1). Last evaluated 2024-06-14.

Conditions:
CASR-related disorder. Also called: CASR-related condition.
Familial hypocalciuric hypercalcemia (FHH). Also called: Familial benign hypercalcemia. Identifiers: Orphanet 405, MedGen C1809471, MONDO:0018458.

Submissions (4):

Clinical Genetics Laboratory, Skane University Hospital Lund
Classification: Likely pathogenic for Familial hypocalciuric hypercalcemia. Last evaluated: 2024-06-14. Review status: criteria provided, single submitter. Criteria: ACMG Guidelines, 2015. Collection method: clinical testing. Allele origin: germline. Affected: yes.
Comment: PS4, PM1, PM2, PP3

Women's Health and Genetics/Laboratory Corporation of America, LabCorp
Classification: Likely pathogenic for Familial hypocalciuric hypercalcemia. Last evaluated: 2024-05-15. Review status: criteria provided, single submitter. Criteria: LabCorp Variant Classification Summary - May 2015. Collection method: clinical testing. Allele origin: germline.
Comment: Variant summary: CASR c.482A>G (p.Tyr161Cys) results in a non-conservative amino acid change located in the Receptor, ligand binding region domain (IPR001828) of the encoded protein sequence. Four of five in-silico tools predict a damaging effect of the variant on protein function. The variant was absent in 250446 control chromosomes. c.482A>G has been reported in the literature in multiple individuals affected with Familial Hypocalciuric Hypercalcemia (e.g. Hannan_2012), including in settings of multi-gene panel testing (e.g. Arshad_2021). These data indicate that the variant is likely to be associated with disease. To our knowledge, no experimental evidence demonstrating an impact on protein function has been reported. The following publications have been ascertained in the context of this evaluation (PMID: 32892159, 22422767, 18219222). ClinVar contains an entry for this variant (Variation ID: 2576811). Based on the evidence outlined above, the variant was classified as likely pathogenic.

GeneDx
Classification: Uncertain significance. Last evaluated: 2023-02-14. Review status: criteria provided, single submitter. Criteria: GeneDx Variant Classification Process June 2021. Collection method: clinical testing. Allele origin: germline. Affected: yes.
Comment: Identified in the heterozygous and homozygous state in patients with features of a CASR-related disorder, but familial segregation information, functional studies, and whether the patients were screened for variants in other genes associated with their symptoms was not included (Hannan et al., 2012; Rodrigo et al., 2021; Bernardor et al., 2022); In silico analysis supports that this missense variant has a deleterious effect on protein structure/function; Not observed at significant frequency in large population cohorts (gnomAD); This variant is associated with the following publications: (PMID: 16616374, Olesen2019[functionalstudy], 18219222, 20374733, 12890593, 17979873, 27434672, 36090548, 33982664, 32892159, 22422767)

Blueprint Genetics
Classification: Likely pathogenic for CASR-related disorders. Last evaluated: 2020-12-31. Review status: criteria provided, single submitter. Criteria: ACMG Guidelines, 2015. Collection method: clinical testing. Allele origin: germline. Affected: yes. Observed: 1 variant allele.

Literature cited by the submitters: PubMed 18219222 (cited by Women's Health and Genetics/Laboratory Corporation of America, LabCorp); PubMed 22422767 (cited by Women's Health and Genetics/Laboratory Corporation of America, LabCorp); PubMed 32892159 (cited by Women's Health and Genetics/Laboratory Corporation of America, LabCorp).